The following is an entry in ClinVar:

NM_020338.4(ZMIZ1):c.2286+474G>T

Genes: ZMIZ1 (zinc finger MIZ-type containing 1; plus strand), LOC126860975 (CDK7 strongly-dependent group 2 enhancer GRCh37_chr10:81064163-81065362; plus strand). Cytogenetic location: 10q22.3.
Variant type: single nucleotide variant.
Coding change: c.2286+474G>T on transcript NM_020338.4 (MANE Select); 474 bases into the intron after coding-DNA position 2286, G replaced by T.
Molecular consequence: intron variant.
Genome position (GRCh38, 1-based): chr10:79,304,649, G>T. VCF-style: chr10-79304649-G-T. GRCh37 (hg19) VCF-style: chr10-81064406-G-T.
Identifiers: ClinVar variation 4854512 (VCV004854512.1).
Genomic context (GRCh38, chr10:79,304,649, plus strand): 5'-AGTAAACATGGGCAGCCCGGCCTGGAAGAAGAAGGAGCCGTCTTCTGGAACCTGGGTGTG[G>T]TGGGCATGCAGAAGGGGCCCAGGGCTGTCACCTGCAGCTGGTCCTGAGGGTGCAGTGGGA-3'

ClinVar aggregate classification (germline): Uncertain significance (1 of 4 stars; one submission).

Conditions:
Neurodevelopmental disorder with dysmorphic facies and distal skeletal anomalies. Identifiers: MedGen C5231448, MONDO:0032855, OMIM 618659.

Submission:

3billion
Classification: Uncertain significance for Neurodevelopmental disorder with dysmorphic facies and distal skeletal anomalies. Last evaluated: 2025-11-18. Review status: criteria provided, single submitter. Criteria: ACMG Guidelines, 2015. Collection method: clinical testing. Allele origin: germline. Affected: yes.
Comment: The variant is not observed in the gnomAD v4.1.0 dataset. Predicted Consequence/Location: Intron variant In silico tools predict the variant to alter splicing and produce an abnormal transcript [SpliceAI: 0.21 (>=0.2, moderate evidence for spliceogenicity)]. Therefore, this variant is classified as VUS according to the recommendation of ACMG/AMP guideline.